The following is an entry in ClinVar:

NM_001148.6(ANK2):c.11610+5G>A

Gene: ANK2 (ankyrin 2; plus strand). Cytogenetic location: 4q26.
Variant type: single nucleotide variant.
Coding change: c.11610+5G>A on transcript NM_001148.6 (MANE Select); 5 bases into the intron after coding-DNA position 11610, G replaced by A.
Molecular consequence: intron variant.
Genome position (GRCh38, 1-based): chr4:113,369,810, G>A. VCF-style: chr4-113369810-G-A. GRCh37 (hg19) VCF-style: chr4-114290966-G-A.
Other names: c.5340+5G>A (NM_001386186.2, NM_001386148.2); c.5142+5G>A (NM_001354269.3); c.5220+5G>A (NM_001386187.2); c.5181+5G>A (NM_001386147.1); c.5199+5G>A (NM_001386160.1); c.5304+5G>A (NM_001354254.2); c.5325+5G>A (NM_001354239.2, NM_001354252.2); c.5226+5G>A (NM_001354272.2); and 35 more.
Identifiers: ClinVar variation 391627 (VCV000391627.7), dbSNP rs1057524171, ClinGen allele CA16604682.

ClinVar aggregate classification (germline): Conflicting classifications of pathogenicity. Review status: criteria provided, conflicting classifications (1 of 4 stars). 3 submissions from 3 submitters: Uncertain significance (2); Likely benign (1). Last evaluated 2025-06-13.

Conditions:
Cardiovascular phenotype. Identifiers: MedGen CN230736.
Long QT syndrome (LQTS). Identifiers: MedGen C0023976, MeSH D008133, MONDO:0002442. Disease mechanism: loss of function. Inheritance: Various modes of inheritance.

Allele frequency attached by ClinVar (database versions not stated): gnomAD exomes below 0.00001; gnomAD 0.00001; TOPMed 0.00001.
gnomAD v4.1: 6 of 1,613,890 alleles (0.00037%); highest among the groups gnomAD compares: Non-Finnish European, 0.00051%; no homozygotes.

Submissions (3):

Ambry Genetics
Classification: Uncertain significance for Cardiovascular phenotype. Last evaluated: 2025-06-13. Review status: criteria provided, single submitter. Criteria: Ambry Variant Classification Scheme 2023. Collection method: clinical testing. Allele origin: germline.
Comment: The c.11610+5G>A intronic variant results from a G to A substitution 5 nucleotides after coding exon 43 in the ANK2 gene. This nucleotide position is not well conserved in available vertebrate species. In silico splice site analysis predicts that this alteration will not have any significant effect on splicing. Based on the available evidence, the clinical significance of this variant remains unclear.

Labcorp Genetics (formerly Invitae), Labcorp
Classification: Uncertain significance for Long QT syndrome. Last evaluated: 2022-08-23. Review status: criteria provided, single submitter. Criteria: Invitae Variant Classification Sherloc (09022015). Collection method: clinical testing. Allele origin: germline.
Comment: In summary, the available evidence is currently insufficient to determine the role of this variant in disease. Therefore, it has been classified as a Variant of Uncertain Significance. Variants that disrupt the consensus splice site are a relatively common cause of aberrant splicing (PMID: 17576681, 9536098). Algorithms developed to predict the effect of sequence changes on RNA splicing suggest that this variant is not likely to affect RNA splicing. ClinVar contains an entry for this variant (Variation ID: 391627). This variant has not been reported in the literature in individuals affected with ANK2-related conditions. This variant is present in population databases (no rsID available, gnomAD 0.007%). This sequence change falls in intron 43 of the ANK2 gene. It does not directly change the encoded amino acid sequence of the ANK2 protein. It affects a nucleotide within the consensus splice site.

GeneDx
Classification: Likely benign. Last evaluated: 2016-12-13. Review status: criteria provided, single submitter. Criteria: GeneDx Variant Classification (06012015). Collection method: clinical testing. Allele origin: germline. Affected: yes.
Comment: This variant is considered likely benign or benign based on one or more of the following criteria: it is a conservative change, it occurs at a poorly conserved position in the protein, it is predicted to be benign by multiple in silico algorithms, and/or has population frequency not consistent with disease.

Literature cited by the submitters: PubMed 17576681 (cited by Labcorp Genetics (formerly Invitae), Labcorp); PubMed 9536098 (cited by Labcorp Genetics (formerly Invitae), Labcorp).